The following is an entry in ClinVar:

ClinVar aggregate classification (germline): Likely benign (1 of 4 stars; one submission).

Allele frequency attached by ClinVar (database versions not stated): ExAC 0.00051; 1000 Genomes Project 0.00060; 1000 Genomes Project 30x 0.00062; ESP Exome Variant Server 0.00088; gnomAD 0.00136; TOPMed 0.00138.
gnomAD v4.1: 411 of 1,551,722 alleles (0.026%); highest among the groups gnomAD compares: African/African-American, 0.49%; no homozygotes.

Submission:

CeGaT Center for Human Genetics Tuebingen
Classification: Likely benign. Last evaluated: 2022-05-01. Review status: criteria provided, single submitter. Criteria: CeGaT Center For Human Genetics Tuebingen Variant Classification Criteria Version 2. Collection method: clinical testing. Allele origin: germline. Affected: yes. Observed: 1 variant allele.
Comment: HMGXB3: BP4, BP7

NM_014983.3(HMGXB3):c.3798C>T (p.Leu1266=)

Gene: HMGXB3 (HMG-box containing 3; plus strand). Cytogenetic location: 5q32.
Variant type: single nucleotide variant.
Coding change: c.3798C>T on transcript NM_014983.3 (MANE Select); coding-DNA position 3798, C replaced by T.
Protein change: p.Leu1266=; no amino-acid change (leucine 1266 retained).
Molecular consequence: synonymous variant.
Genome position (GRCh38, 1-based): chr5:150,052,111, C>T. VCF-style: chr5-150052111-C-T. GRCh37 (hg19) VCF-style: chr5-149431674-C-T.
Other names: c.3300C>T, p.Leu1100= (NM_001366501.2).
Identifiers: ClinVar variation 2655901 (VCV002655901.24), dbSNP rs367831679, ClinGen allele CA3506251.